The following is an entry in ClinVar:

NM_144670.6(A2ML1):c.4049C>T (p.Thr1350Ile)

Gene: A2ML1 (alpha-2-macroglobulin like 1; plus strand). Cytogenetic location: 12p13.31.
Variant type: single nucleotide variant.
Coding change: c.4049C>T on transcript NM_144670.6 (MANE Select); coding-DNA position 4049, C replaced by T.
Protein change: p.Thr1350Ile; replaces threonine 1350 with isoleucine.
Molecular consequence: missense variant.
Genome position (GRCh38, 1-based): chr12:8,868,345, C>T. VCF-style: chr12-8868345-C-T. GRCh37 (hg19) VCF-style: chr12-9020941-C-T.
Other names: c.2576C>T, p.Thr859Ile (NM_001282424.3); c.4049C>T (NM_144670.3); short protein forms T1350I, T859I.
Identifiers: ClinVar variation 2635712 (VCV002635712.6), dbSNP rs773680710, ClinGen allele CA6436562.

ClinVar aggregate classification (germline): Uncertain significance. Review status: criteria provided, multiple submitters, no conflicts (2 of 4 stars). 3 submissions from 3 submitters: Uncertain significance (3). Last evaluated 2025-12-08.

Conditions:
A2ML1-related disorder. Also called: A2ML1-related condition.

Allele frequency attached by ClinVar (database versions not stated): gnomAD 0.00002; ExAC 0.00002; TOPMed 0.00004.
gnomAD v4.1: 38 of 1,612,246 alleles (0.0024%); highest among the groups gnomAD compares: Non-Finnish European, 0.0032%; no homozygotes.

Submissions (3):

Labcorp Genetics (formerly Invitae), Labcorp
Classification: Uncertain significance. Last evaluated: 2025-12-08. Review status: criteria provided, single submitter. Criteria: Invitae Variant Classification Sherloc (09022015). Collection method: clinical testing. Allele origin: germline.
Comment: This sequence change replaces threonine, which is neutral and polar, with isoleucine, which is neutral and non-polar, at codon 1350 of the A2ML1 protein (p.Thr1350Ile). This variant is present in population databases (rs773680710, gnomAD 0.002%). This variant has not been reported in the literature in individuals affected with A2ML1-related conditions. ClinVar contains an entry for this variant (Variation ID: 2635712). An algorithm developed to predict the effect of missense changes on protein structure and function outputs the following: PolyPhen-2: "Benign". The isoleucine amino acid residue is found in multiple mammalian species, which suggests that this missense change does not adversely affect protein function. In summary, the available evidence is currently insufficient to determine the role of this variant in disease. Therefore, it has been classified as a Variant of Uncertain Significance.

Ambry Genetics
Classification: Uncertain significance. Last evaluated: 2025-01-10. Review status: criteria provided, single submitter. Criteria: Ambry Variant Classification Scheme 2023. Collection method: clinical testing. Allele origin: germline.
Comment: The p.T1350I variant (also known as c.4049C>T), located in coding exon 31 of the A2ML1 gene, results from a C to T substitution at nucleotide position 4049. The threonine at codon 1350 is replaced by isoleucine, an amino acid with similar properties. This amino acid position is conserved. In addition, this alteration is predicted to be tolerated by in silico analysis. Based on the available evidence, the clinical significance of this variant remains unclear.

PreventionGenetics, part of Exact Sciences
Classification: Uncertain significance for A2ML1-related condition. Last evaluated: 2023-06-13. Review status: criteria provided, single submitter. Criteria: ACMG Guidelines, 2015. Collection method: clinical testing. Allele origin: germline.
Comment: The A2ML1 c.4049C>T variant is predicted to result in the amino acid substitution p.Thr1350Ile. To our knowledge, this variant has not been reported in the literature. This variant is reported in 0.0018% of alleles in individuals of European (Non-Finnish) descent in gnomAD. At this time, the clinical significance of this variant is uncertain due to the absence of conclusive functional and genetic evidence.